The following is an entry in ClinVar:

ClinVar aggregate classification (germline): Uncertain significance. Review status: criteria provided, multiple submitters, no conflicts (2 of 4 stars). 2 submissions from 2 submitters: Uncertain significance (2). Last evaluated 2024-06-08.

Conditions:
Inborn genetic diseases. Identifiers: MedGen C0950123, MeSH D030342.

Allele frequency attached by ClinVar (database versions not stated): gnomAD exomes below 0.00001.

Submissions (2):

Ambry Genetics
Classification: Uncertain significance for Inborn genetic diseases. Last evaluated: 2024-06-08. Review status: criteria provided, single submitter. Criteria: Ambry Variant Classification Scheme 2023. Collection method: clinical testing. Allele origin: germline.
Comment: The p.A1413T variant (also known as c.4237G>A), located in coding exon 23 of the ATR gene, results from a G to A substitution at nucleotide position 4237. The alanine at codon 1413 is replaced by threonine, an amino acid with similar properties. This amino acid position is conserved. In addition, this alteration is predicted to be tolerated by in silico analysis. Since supporting evidence is limited at this time, the clinical significance of this alteration remains unclear.

Labcorp Genetics (formerly Invitae), Labcorp
Classification: Uncertain significance. Last evaluated: 2024-03-11. Review status: criteria provided, single submitter. Criteria: Invitae Variant Classification Sherloc (09022015). Collection method: clinical testing. Allele origin: germline.
Comment: This sequence change replaces alanine, which is neutral and non-polar, with threonine, which is neutral and polar, at codon 1413 of the ATR protein (p.Ala1413Thr). This variant is present in population databases (no rsID available, gnomAD 0.0009%). This variant has not been reported in the literature in individuals affected with ATR-related conditions. ClinVar contains an entry for this variant (Variation ID: 1738949). An algorithm developed to predict the effect of missense changes on protein structure and function (PolyPhen-2) suggests that this variant is likely to be disruptive. In summary, the available evidence is currently insufficient to determine the role of this variant in disease. Therefore, it has been classified as a Variant of Uncertain Significance.

NM_001184.4(ATR):c.4237G>A (p.Ala1413Thr)

Gene: ATR (ATR checkpoint kinase; minus strand). Cytogenetic location: 3q23.
Variant type: single nucleotide variant.
Coding change: c.4237G>A on transcript NM_001184.4 (MANE Select); coding-DNA position 4237, G replaced by A.
Protein change: p.Ala1413Thr; replaces alanine 1413 with threonine.
Molecular consequence: missense variant.
Genome position (GRCh38, 1-based): chr3:142,522,757, C>T on the plus strand (G>A on the coding strand, the complement: ATR is on the minus strand). VCF-style: chr3-142522757-C-T. GRCh37 (hg19) VCF-style: chr3-142241599-C-T.
Other names: c.4045G>A, p.Ala1349Thr (NM_001354579.2); short protein forms A1413T, A1349T.
Identifiers: ClinVar variation 1738949 (VCV001738949.8), dbSNP rs1274603146, ClinGen allele CA354801109.
Genomic context (GRCh38, chr3:142,522,757, plus strand): 5'-TAAAGCCAGTAATGACTATATCCACTCTTACCTGAATGGCATAGGCAGCTGAATCTTGAG[C>T]TCGGCTATTATCAGCATACGCAAGGTAAGCTCTTGTTAGCTCCATCAATAATCCATAGGC-3'
Protein context (NP_001175.2, residues 1403-1423): AYLAYADNSR[Ala1413Thr]QDSAAYAIQE